The following is an entry in ClinVar:

ClinVar aggregate classification (germline): Uncertain significance (1 of 4 stars; one submission).

gnomAD v4.1: 2 of 1,081,909 alleles (0.00018%); highest among the groups gnomAD compares: Non-Finnish European, 0.00024%; no homozygotes.

Submission:

GeneDx
Classification: Uncertain significance. Last evaluated: 2023-06-30. Review status: criteria provided, single submitter. Criteria: GeneDx Variant Classification Process June 2021. Collection method: clinical testing. Allele origin: germline. Affected: yes.
Comment: Not observed at significant frequency in large population cohorts (gnomAD); In silico analysis supports that this missense variant does not alter protein structure/function; Has not been previously published as pathogenic or benign to our knowledge

NM_006950.3(SYN1):c.1768C>T (p.Pro590Ser)

Gene: SYN1 (synapsin I; minus strand). Cytogenetic location: Xp11.3.
Variant type: single nucleotide variant.
Coding change: c.1768C>T on transcript NM_006950.3 (MANE Select); coding-DNA position 1768, C replaced by T.
Protein change: p.Pro590Ser; replaces proline 590 with serine.
Molecular consequence: missense variant.
Genome position (GRCh38, 1-based): chrX:47,574,216, G>A on the plus strand (C>T on the coding strand, the complement: SYN1 is on the minus strand). VCF-style: chrX-47574216-G-A. GRCh37 (hg19) VCF-style: chrX-47433615-G-A.
Other names: c.1768C>T, p.Pro590Ser (NM_133499.2); short protein forms P590S.
Identifiers: ClinVar variation 3360605 (VCV003360605.1).